The following is an entry in ClinVar:

ClinVar aggregate classification (germline): Uncertain significance. Review status: criteria provided, multiple submitters, no conflicts (2 of 4 stars). 2 submissions from 2 submitters: Uncertain significance (2). Last evaluated 2021-08-30.

Conditions:
Osteogenesis imperfecta type 12 (OI12). Also called: OI, TYPE XII; Osteogenesis imperfecta, type XII. Identifiers: Orphanet 666, MedGen C3151433, MONDO:0013460, OMIM 613849.

Submissions (2):

Fulgent Genetics
Classification: Uncertain significance for Osteogenesis imperfecta type 12. Last evaluated: 2021-08-30. Review status: criteria provided, single submitter. Criteria: ACMG Guidelines, 2015. Collection method: clinical testing. Allele origin: unknown.

Labcorp Genetics (formerly Invitae), Labcorp
Classification: Uncertain significance. Last evaluated: 2021-04-29. Review status: criteria provided, single submitter. Criteria: Invitae Variant Classification Sherloc (09022015). Collection method: clinical testing. Allele origin: germline.
Comment: In summary, the available evidence is currently insufficient to determine the role of this variant in disease. Therefore, it has been classified as a Variant of Uncertain Significance. Experimental studies and prediction algorithms are not available or were not evaluated, and the functional significance of this variant is currently unknown. This variant has not been reported in the literature in individuals with SP7-related conditions. This variant is present in population databases (rs546981961, ExAC 0.01%). This sequence change creates a premature translational stop signal (p.Lys46Alafs*7) in the SP7 gene. While this is not anticipated to result in nonsense mediated decay, it is expected to disrupt the last 386 amino acid(s) of the SP7 protein.

NM_001173467.3(SP7):c.135_136del (p.Lys46fs)

Gene: SP7 (Sp7 transcription factor; minus strand). Cytogenetic location: 12q13.13.
Variant type: Deletion.
Coding change: c.135_136del on transcript NM_001173467.3 (MANE Select); coding-DNA positions 135 to 136, 2 bases deleted (GA; older notation c.135_136delGA).
Protein change: p.Lys46fs; shifts the reading frame from lysine 46.
Molecular consequence: frameshift variant.
Genome position (GRCh38, 1-based): chr12:53,329,306-53,329,307, TC deleted on the plus strand (GA on the coding strand, the reverse complement: SP7 is on the minus strand); deleting any 2 consecutive bases within chr12:53,329,306-53,329,308 gives the same sequence; the c. name uses the placement nearest the transcript's 3' end. VCF-style (leftmost placement, unchanged base first): chr12-53329305-TTC-T. GRCh37 (hg19) VCF-style: chr12-53723089-TTC-T.
Other names: c.81_82del, p.Lys28fs (NM_001300837.2); c.135_136del, p.Lys46fs (NM_152860.2); short protein forms K46fs, K28fs.
Identifiers: ClinVar variation 1361090 (VCV001361090.7), dbSNP rs546981961, ClinGen allele CA6599608.